The following is an entry in ClinVar:

NM_000152.5(GAA):c.2242G>T (p.Glu748Ter)

Gene: GAA (alpha glucosidase; plus strand). Cytogenetic location: 17q25.3.
Variant type: single nucleotide variant.
Coding change: c.2242G>T on transcript NM_000152.5 (MANE Select); coding-DNA position 2242, G replaced by T.
Protein change: p.Glu748Ter; replaces glutamic acid 748 with a stop codon.
Molecular consequence: nonsense.
Genome position (GRCh38, 1-based): chr17:80,117,020, G>T. VCF-style: chr17-80117020-G-T. GRCh37 (hg19) VCF-style: chr17-78090819-G-T.
Other names: c.2242G>T (LRG_673t1); c.2242G>T, p.Glu748Ter (NM_001079803.3, NM_001079804.3); short protein forms E748*.
Identifiers: ClinVar variation 370268 (VCV000370268.9), dbSNP rs1057516363, ClinGen allele CA16041903.

ClinVar aggregate classification (germline): Pathogenic. Review status: reviewed by expert panel (3 of 4 stars). 4 submissions from 4 submitters: Pathogenic (1). 3 of the submissions do not count toward it. Last evaluated 2023-04-11.

Conditions:
Glycogen storage disease, type II (IOPD). Also called: GLYCOGENOSIS, GENERALIZED, CARDIAC FORM; Glucosidase acid-1,4-alpha deficiency; Pompe Disease; POMPE DISEASE, INFANTILE-ONSET; GSD II; Glycogen storage disease type 2. Identifiers: Orphanet 365, MedGen C0017921, MONDO:0009290, OMIM 232300.

Submissions (4):

ClinGen Lysosomal Storage Disorder Variant Curation Expert Panel
Classification: Pathogenic for Glycogen storage disease, type II. Last evaluated: 2023-04-11. Review status: reviewed by expert panel. Criteria: clingen_lsd_acmg_specifications_v2-1. Collection method: curation. Allele origin: germline. Inheritance: Autosomal recessive inheritance.
Comment: The NM_000152.5:c.2242G>T (p.Glu748Ter) variant in GAA is a nonsense variant predicted to cause a premature stop codon in biologically-relevant-exon 16/20, leading to nonsense mediated decay in a gene in which loss-of-function is an established disease mechanism (PVS1). One patient with this variant, diagnosed with late onset Pompe disease, has been reported (PMID: 31545528). This individual is compound heterozygous for the variant and a pathogenic variant in GAA, c.-32-13T>G, phase unknown (PMID: 31545528) (PM3_Supporting). The data are insufficient to apply PP4 based on the specifications of the ClinGen Lysosomal Diseases VCEP. The variant is absent in gnomAD v2.1.1. (PM2_Supporting). There is a ClinVar entry for this variant (Variation ID 370268). In summary, this variant meets the criteria to be classified as pathogenic for Pompe disease. GAA-specific ACMG/AMP criteria applied, as specified by the ClinGen Lysosomal Diseases VCEP (Specifications Version 2.0): PVS1, PM3_Supporting, PM2_Supporting. (Classification approved by the ClinGen Lysosomal Diseases VCEP, April 11, 2023).

Genomenon, Inc
Classification: Pathogenic for Glycogen storage disease, type II. Last evaluated: 2026-07-01. Review status: criteria provided, single submitter. Criteria: Genomenon Sequence Variant Interpretation Standards - Updated. Collection method: curation. Allele origin: germline. Affected: yes. Not counted in ClinVar's aggregate classification.
Comment: GAA p.Glu748Ter (c.2242G>T) is a nonsense variant that introduces a premature stop codon at amino acid position 748 and is predicted to result in a truncated or absent protein product. This variant has been observed in at least one proband with a GAA-related disorder (PMID:31545528). It is absent or not present at a significant frequency in gnomAD. In conclusion, we classify GAA p.Glu748Ter (c.2242G>T) as a pathogenic variant.

Baylor Genetics
Classification: Pathogenic for Glycogen storage disease, type II. Last evaluated: 2022-10-24. Review status: criteria provided, single submitter. Criteria: ACMG Guidelines, 2015. Collection method: clinical testing. Allele origin: unknown. Not counted in ClinVar's aggregate classification.

Counsyl
Classification: Likely pathogenic for Glycogen storage disease, type II. Last evaluated: 2015-12-29. Review status: no assertion criteria provided. Collection method: clinical testing. Allele origin: unknown. Not counted in ClinVar's aggregate classification.

Literature cited by the submitters: PubMed 31545528 (cited by Genomenon, Inc); PubMed 22644586 (cited by Counsyl).